The following is an entry in ClinVar:

NM_003628.6(PKP4):c.1240A>G (p.Ile414Val)

Gene: PKP4 (plakophilin 4; plus strand). Cytogenetic location: 2q24.1.
Variant type: single nucleotide variant.
Coding change: c.1240A>G on transcript NM_003628.6 (MANE Select); coding-DNA position 1240, A replaced by G.
Protein change: p.Ile414Val; replaces isoleucine 414 with valine.
Molecular consequence: missense variant.
Genome position (GRCh38, 1-based): chr2:158,631,839, A>G. VCF-style: chr2-158631839-A-G. GRCh37 (hg19) VCF-style: chr2-159488351-A-G.
Other names: c.1240A>G, p.Ile414Val (NM_001005476.4, NM_001304969.3, NM_001304971.2 and 6 more transcripts); c.214A>G, p.Ile72Val (NM_001304970.3); c.1234A>G, p.Ile412Val (NM_001377222.1, NM_001377223.1, NM_001377224.1); short protein forms I412V, I414V, I72V.
Identifiers: ClinVar variation 1758152 (VCV001758152.2), dbSNP rs201855019, ClinGen allele CA1920642.

ClinVar aggregate classification (germline): Uncertain significance (1 of 4 stars; one submission).

Allele frequency attached by ClinVar (database versions not stated): gnomAD 0.00002; gnomAD exomes 0.00002; TOPMed 0.00006; ExAC 0.00007; 1000 Genomes Project 0.00020; 1000 Genomes Project 30x 0.00031.
gnomAD v4.1: 36 of 1,614,064 alleles (0.0022%); highest among the groups gnomAD compares: Admixed American, 0.0033%; 1 homozygote.

Submission:

Ambry Genetics
Classification: Uncertain significance. Last evaluated: 2023-11-23. Review status: criteria provided, single submitter. Criteria: Ambry Variant Classification Scheme 2023. Collection method: clinical testing. Allele origin: germline.
Comment: The p.I414V variant (also known as c.1240A>G), located in coding exon 7 of the PKP4 gene, results from an A to G substitution at nucleotide position 1240. The isoleucine at codon 414 is replaced by valine, an amino acid with highly similar properties. This amino acid position is conserved. In addition, this alteration is predicted to be tolerated by in silico analysis. Since supporting evidence is limited at this time, the clinical significance of this alteration remains unclear.